The following is an entry in ClinVar:

NM_017999.5(RNF31):c.2770G>A (p.Gly924Ser)

Gene: RNF31 (ring finger protein 31; plus strand). Cytogenetic location: 14q12.
Variant type: single nucleotide variant.
Coding change: c.2770G>A on transcript NM_017999.5 (MANE Select); coding-DNA position 2770, G replaced by A.
Protein change: p.Gly924Ser; replaces glycine 924 with serine.
Molecular consequence: missense variant.
Genome position (GRCh38, 1-based): chr14:24,157,940, G>A. VCF-style: chr14-24157940-G-A. GRCh37 (hg19) VCF-style: chr14-24627149-G-A.
Other names: c.2317G>A, p.Gly773Ser (NM_001310332.2); short protein forms G773S, G924S.
Identifiers: ClinVar variation 3005166 (VCV003005166.3), dbSNP rs1409264921, ClinGen allele CA389306767.

ClinVar aggregate classification (germline): Uncertain significance (1 of 4 stars; one submission).

Allele frequency attached by ClinVar (database versions not stated): gnomAD exomes 0.00001.
gnomAD v4.1: 5 of 1,614,114 alleles (0.00031%); highest among the groups gnomAD compares: Non-Finnish European, 0.00042%; no homozygotes.

Submission:

Labcorp Genetics (formerly Invitae), Labcorp
Classification: Uncertain significance. Last evaluated: 2023-11-04. Review status: criteria provided, single submitter. Criteria: Invitae Variant Classification Sherloc (09022015). Collection method: clinical testing. Allele origin: germline.
Comment: This sequence change replaces glycine, which is neutral and non-polar, with serine, which is neutral and polar, at codon 924 of the RNF31 protein (p.Gly924Ser). This variant is present in population databases (no rsID available, gnomAD 0.0009%). This variant has not been reported in the literature in individuals affected with RNF31-related conditions. An algorithm developed to predict the effect of missense changes on protein structure and function (PolyPhen-2) suggests that this variant is likely to be tolerated. In summary, the available evidence is currently insufficient to determine the role of this variant in disease. Therefore, it has been classified as a Variant of Uncertain Significance.